The following is an entry in ClinVar:

NM_004068.4(AP2M1):c.54_55dup (p.Val19fs)

Genes: AP2M1 (adaptor related protein complex 2 subunit mu 1; plus strand), LOC123453202 (Sharpr-MPRA regulatory region 464; plus strand). Cytogenetic location: 3q27.1.
Variant type: Duplication.
Coding change: c.54_55dup on transcript NM_004068.4 (MANE Select); coding-DNA positions 54 to 55, 2 bases duplicated (AG; older notation c.54_55dupAG).
Protein change: p.Val19fs; shifts the reading frame from valine 19.
Molecular consequence: frameshift variant.
Genome position (GRCh38, 1-based): chr3:184,177,047-184,177,048, AG duplicated; duplicating any 2 consecutive bases within chr3:184,177,046-184,177,048 gives the same sequence; the c. name uses the placement nearest the transcript's 3' end. VCF-style (leftmost placement, unchanged base first): chr3-184177045-C-CGA. GRCh37 (hg19) VCF-style: chr3-183894833-C-CGA.
Other names: c.54_55dup, p.Val19fs (NM_001025205.2, NM_001311198.2); short protein forms V19fs.
Identifiers: ClinVar variation 2027471 (VCV002027471.4), dbSNP rs2473715450, ClinGen allele CA2580070468.
Genomic context (GRCh38, chr3:184,177,045, plus strand): 5'-TCTGCCGCCATGATTGGAGGCTTATTCATCTATAATCACAAGGGGGAGGTGCTCATCTCC[C>CGA]GAGTCTACCGAGATGACATCGGGTGAGTCCCCTGGCGGAGCCAGCTGTGCCCCACCACTC-3'

ClinVar aggregate classification (germline): Uncertain significance (1 of 4 stars; one submission).

Submission:

Labcorp Genetics (formerly Invitae), Labcorp
Classification: Uncertain significance. Last evaluated: 2022-08-27. Review status: criteria provided, single submitter. Criteria: Invitae Variant Classification Sherloc (09022015). Collection method: clinical testing. Allele origin: germline.
Comment: In summary, the available evidence is currently insufficient to determine the role of this variant in disease. Therefore, it has been classified as a Variant of Uncertain Significance. This variant has not been reported in the literature in individuals affected with AP2M1-related conditions. This sequence change creates a premature translational stop signal (p.Val19Glufs*71) in the AP2M1 gene. It is expected to result in an absent or disrupted protein product. However, the current clinical and genetic evidence is not sufficient to establish whether loss-of-function variants in AP2M1 cause disease. This variant is not present in population databases (gnomAD no frequency).